The following is an entry in ClinVar:

ClinVar aggregate classification (germline): Pathogenic (1 of 4 stars; one submission).

Submission:

Labcorp Genetics (formerly Invitae), Labcorp
Classification: Pathogenic. Last evaluated: 2023-01-13. Review status: criteria provided, single submitter. Criteria: Invitae Variant Classification Sherloc (09022015). Collection method: clinical testing. Allele origin: germline.
Comment: For these reasons, this variant has been classified as Pathogenic. This variant has not been reported in the literature in individuals affected with RELA-related conditions. This variant is not present in population databases (gnomAD no frequency). This sequence change creates a premature translational stop signal (p.Gln148*) in the RELA gene. It is expected to result in an absent or disrupted protein product. Loss-of-function variants in RELA are known to be pathogenic (PMID: 28600438).

Literature cited by the submitters: PubMed 28600438.

NM_021975.4(RELA):c.442C>T (p.Gln148Ter)

Gene: RELA (RELA proto-oncogene, NF-kB subunit; minus strand). Cytogenetic location: 11q13.1.
Variant type: single nucleotide variant.
Coding change: c.442C>T on transcript NM_021975.4 (MANE Select); coding-DNA position 442, C replaced by T.
Protein change: p.Gln148Ter; replaces glutamine 148 with a stop codon.
Molecular consequence: nonsense.
Genome position (GRCh38, 1-based): chr11:65,659,783, G>A on the plus strand (C>T on the coding strand, the complement: RELA is on the minus strand). VCF-style: chr11-65659783-G-A. GRCh37 (hg19) VCF-style: chr11-65427254-G-A.
Other names: c.433C>T, p.Gln145Ter (NM_001145138.2); c.442C>T, p.Gln148Ter (NM_001243984.2, NM_001243985.2, NM_001404659.1 and 1 more transcripts); c.475C>T, p.Gln159Ter (NM_001404657.1); c.415C>T, p.Gln139Ter (NM_001404658.1); c.61C>T, p.Gln21Ter (NM_001404661.1); c.349C>T, p.Gln117Ter (NM_001404662.1, NM_001404663.1); short protein forms Q21*, Q117*, Q139*, Q145*, Q148*, Q159*.
Identifiers: ClinVar variation 2806793 (VCV002806793.3), dbSNP rs1590937041, ClinGen allele CA381393200.